The following is an entry in ClinVar:

ClinVar aggregate classification (germline): Uncertain significance (1 of 4 stars; one submission).

Conditions:
Dilated cardiomyopathy 1G (CMD1G). Identifiers: Orphanet 154, MedGen C1858763, MONDO:0011400, OMIM 604145.
Autosomal recessive limb-girdle muscular dystrophy type 2J (LGMDR10). Also called: Limb-girdle muscular dystrophy, type 2J; MUSCULAR DYSTROPHY, LIMB-GIRDLE, AUTOSOMAL RECESSIVE 10. Identifiers: Orphanet 140922, MedGen C1837342, MONDO:0012127, OMIM 608807.

Allele frequency attached by ClinVar (database versions not stated): gnomAD exomes below 0.00001; TOPMed below 0.00001; gnomAD 0.00001.
gnomAD v4.1: 4 of 1,613,896 alleles (0.00025%); highest among the groups gnomAD compares: Non-Finnish European, 0.00034%; no homozygotes.

Submission:

Labcorp Genetics (formerly Invitae), Labcorp
Classification: Uncertain significance for Dilated cardiomyopathy 1G; Autosomal recessive limb-girdle muscular dystrophy type 2J. Last evaluated: 2023-11-10. Review status: criteria provided, single submitter. Criteria: Invitae Variant Classification Sherloc (09022015). Collection method: clinical testing. Allele origin: germline.
Comment: This sequence change replaces cysteine, which is neutral and slightly polar, with arginine, which is basic and polar, at codon 35359 of the TTN protein (p.Cys35359Arg). This variant is present in population databases (no rsID available, gnomAD 0.007%). This variant has not been reported in the literature in individuals affected with TTN-related conditions. Experimental studies and prediction algorithms are not available or were not evaluated, and the functional significance of this variant is currently unknown. This variant is located in the M band of TTN (PMID: 25589632). Variants in this region may be relevant for neuromuscular disorders, but have not been definitively shown to cause cardiomyopathy (PMID: 23975875). In summary, the available evidence is currently insufficient to determine the role of this variant in disease. Therefore, it has been classified as a Variant of Uncertain Significance.

Literature cited by the submitters: PubMed 25589632; PubMed 23975875.

NM_001267550.2(TTN):c.106075T>C (p.Cys35359Arg)

Genes: TTN-AS1 (TTN antisense RNA 1; plus strand), TTN (titin; minus strand), LOC129935182 (ATAC-STARR-seq lymphoblastoid active region 16807; plus strand). Cytogenetic location: 2q31.2.
Variant type: single nucleotide variant.
Coding change: c.106075T>C on transcript NM_001267550.2 (MANE Select); coding-DNA position 106075, T replaced by C.
Protein change: p.Cys35359Arg; replaces cysteine 35359 with arginine.
Molecular consequence: missense variant.
Genome position (GRCh38, 1-based): chr2:178,530,540, A>G on the plus strand (T>C on the coding strand, the complement: TTN is on the minus strand). VCF-style: chr2-178530540-A-G. GRCh37 (hg19) VCF-style: chr2-179395267-A-G.
Other names: c.101152T>C, p.Cys33718Arg (NM_001256850.1); c.78880T>C, p.Cys26294Arg (NM_003319.4); c.98371T>C, p.Cys32791Arg (NM_133378.4); c.79255T>C, p.Cys26419Arg (NM_133432.3); c.79456T>C, p.Cys26486Arg (NM_133437.4); short protein forms C26294R, C33718R, C35359R, C26419R, C26486R, C32791R.
Identifiers: ClinVar variation 2923414 (VCV002923414.3), dbSNP rs1414538562, ClinGen allele CA349407091.
Genomic context (GRCh38, chr2:178,530,540, plus strand): 5'-AGGCTTGCCCCATAAATTGTAAGTTGGTTTTAGACGTTCCACCTTCACCAGAAATCTCAC[A>G]AACATATTCTCCTTGATCAGATTCAGTGAGGTTATTGATTTTGAGCTCATAGGTACCATC-3'
Protein context (NP_001254479.2, residues 35349-35369): LTESDQGEYV[Cys35359Arg]EISGEGGTSK